The following is an entry in ClinVar:

ClinVar aggregate classification (germline): Likely benign (1 of 4 stars; one submission).

Allele frequency attached by ClinVar (database versions not stated): gnomAD 0.00001; gnomAD exomes 0.00001; TOPMed 0.00001.
gnomAD v4.1: 18 of 1,551,104 alleles (0.0012%); highest among the groups gnomAD compares: South Asian, 0.0036%; no homozygotes.

Submission:

CeGaT Center for Human Genetics Tuebingen
Classification: Likely benign. Last evaluated: 2022-08-01. Review status: criteria provided, single submitter. Criteria: CeGaT Center For Human Genetics Tuebingen Variant Classification Criteria Version 2. Collection method: clinical testing. Allele origin: germline. Affected: yes. Observed: 1 variant allele.
Comment: CACNA1G: BP4, BP7

NM_018896.5(CACNA1G):c.1413C>T (p.Leu471=)

Gene: CACNA1G (calcium voltage-gated channel subunit alpha1 G; plus strand). Cytogenetic location: 17q21.33.
Variant type: single nucleotide variant.
Coding change: c.1413C>T on transcript NM_018896.5 (MANE Select); coding-DNA position 1413, C replaced by T.
Protein change: p.Leu471=; no amino-acid change (leucine 471 retained).
Molecular consequence: synonymous variant. On other transcripts: non-coding transcript variant (5).
Genome position (GRCh38, 1-based): chr17:50,575,815, C>T. VCF-style: chr17-50575815-C-T. GRCh37 (hg19) VCF-style: chr17-48653176-C-T.
Other names: c.1413C>T, p.Leu471= (NM_001256324.2, NM_001256325.2, NM_001256326.2 and 24 more transcripts).
Identifiers: ClinVar variation 2647902 (VCV002647902.24), dbSNP rs1035151867, ClinGen allele CA291598590.
Genomic context (GRCh38, chr17:50,575,815, plus strand): 5'-GGCTCAGGTCTCTCGGGCAGCAGGTGTGCGGGTTGGGCTGCTCAGCAGCCCAGCACCCCT[C>T]GGGGGCCAGGAGACCCAGCCCAGCAGCAGCTGCTCTCGCTCCCACCGCCGCCTATCCGTC-3'
Protein context (NP_061496.2, residues 461-481): RVGLLSSPAP[Leu471=]GGQETQPSSS